The following is an entry in ClinVar:

NM_001143809.2(BDNF):c.60C>A (p.Cys20Ter)

Gene: BDNF (brain derived neurotrophic factor; minus strand). Cytogenetic location: 11p14.1.
Variant type: single nucleotide variant.
Coding change: c.60C>A on transcript NM_001143809.2; coding-DNA position 60, C replaced by A.
Protein change: p.Cys20Ter; replaces cysteine 20 with a stop codon.
Molecular consequence: nonsense. On other transcripts: 5 prime UTR variant (2), intron variant (7).
Genome position (GRCh38, 1-based): chr11:27,700,977, G>T on the plus strand (C>A on the coding strand, the complement: BDNF is on the minus strand). VCF-style: chr11-27700977-G-T. GRCh37 (hg19) VCF-style: chr11-27722524-G-T.
Other names: c.-65C>A (NM_001143810.2); c.-428C>A (NM_001143811.2); c.3+20435C>A (NM_170731.5); c.-22+19667C>A (NM_001143805.1); c.-22+19452C>A (NM_001143806.1); c.-22+19369C>A (NM_170732.4); c.-22+18534C>A (NM_001143807.2); c.-22+320C>A (NM_170733.4); and 1 more; short protein forms C20*.
Identifiers: ClinVar variation 4980016 (VCV004980016.1).

ClinVar aggregate classification (germline): Uncertain significance (1 of 4 stars; one submission).

Conditions:
BDNF-related disorder. Also called: BDNF-related condition.

Submission:

PreventionGenetics, part of Exact Sciences
Classification: Uncertain significance for BDNF-related condition. Last evaluated: 2025-08-13. Review status: criteria provided, single submitter. Criteria: ACMG Guidelines, 2015. Collection method: clinical testing. Allele origin: germline.
Comment: The BDNF c.60C>A variant is predicted to result in premature protein termination (p.Cys20*). To our knowledge, this variant has not been reported in the literature or in a large population database (gnomAD), indicating this variant is rare. At this time, the clinical significance of this variant is uncertain due to the absence of conclusive functional and genetic evidence.